The following is an entry in ClinVar:

NM_018975.4(TERF2IP):c.478G>A (p.Gly160Ser)

Gene: TERF2IP (TERF2 interacting protein; plus strand). Cytogenetic location: 16q23.1.
Variant type: single nucleotide variant.
Coding change: c.478G>A on transcript NM_018975.4 (MANE Select); coding-DNA position 478, G replaced by A.
Protein change: p.Gly160Ser; replaces glycine 160 with serine.
Molecular consequence: missense variant. On other transcripts: non-coding transcript variant (1).
Genome position (GRCh38, 1-based): chr16:75,648,360, G>A. VCF-style: chr16-75648360-G-A. GRCh37 (hg19) VCF-style: chr16-75682258-G-A.
Other names: short protein forms G160S.
Identifiers: ClinVar variation 2497034 (VCV002497034.2), dbSNP rs764842071, ClinGen allele CA8177999.

ClinVar aggregate classification (germline): Uncertain significance (1 of 4 stars; one submission).

Allele frequency attached by ClinVar (database versions not stated): gnomAD exomes 0.00001; ExAC 0.00002.

Submission:

Ambry Genetics
Classification: Uncertain significance. Last evaluated: 2022-11-17. Review status: criteria provided, single submitter. Criteria: Ambry Variant Classification Scheme 2023. Collection method: clinical testing. Allele origin: germline.
Comment: The p.G160S variant (also known as c.478G>A), located in coding exon 1 of the TERF2IP gene, results from a G to A substitution at nucleotide position 478. The glycine at codon 160 is replaced by serine, an amino acid with similar properties. This amino acid position is conserved. In addition, this alteration is predicted to be deleterious by in silico analysis. Since supporting evidence is limited at this time, the clinical significance of this alteration remains unclear.